The following is an entry in ClinVar:

ClinVar aggregate classification (germline): Pathogenic/Likely pathogenic. Review status: criteria provided, multiple submitters, no conflicts (2 of 4 stars). 9 submissions from 9 submitters: Pathogenic (7); Likely pathogenic (1). 1 of the submissions does not count toward it. Last evaluated 2026-08-06.

Conditions:
EFEMP1-related disorders.
Retinal dystrophy. Also called: Inherited retinal dystrophy. Identifiers: Orphanet 71862, MedGen C0854723, MeSH D058499, MONDO:0019118, HP:0000556.
Doyne honeycomb retinal dystrophy (DHRD). Also called: MALATTIA LEVENTINESE; DRUSEN, RADIAL, AUTOSOMAL DOMINANT; DOYNE HONEYCOMB DEGENERATION OF RETINA. Identifiers: Orphanet 75376, MedGen C1832174, MONDO:0007471, OMIM 126600.
Retinal disorder. Also called: Retinal disorders; Retinopathies; Retinal Diseases; Retinopathy. Identifiers: MedGen C0035309, MONDO:0005283, HP:0000488.

Allele frequency attached by ClinVar (database versions not stated): gnomAD exomes 0.00001.
gnomAD v4.1: 18 of 1,613,564 alleles (0.0011%); highest among the groups gnomAD compares: Non-Finnish European, 0.0015%; no homozygotes.

Submissions (9):

Genetics Laboratory, Great Ormond Street Hospital NHS Foundation Trust, North Thames Genomic Laboratory Hub
Classification: Pathogenic for Retinal disorders. Last evaluated: 2026-08-06. Review status: criteria provided, single submitter. Criteria: ACGS Best Practice Guidelines for Variant Classification in Rare Disease 2024 v1.2. Collection method: clinical testing. Allele origin: germline. Affected: yes.
Comment: PS4_moderate, PM2_moderate, PP3_supporting, PS3_moderate, PP1_strong

Labcorp Genetics (formerly Invitae), Labcorp
Classification: Pathogenic. Last evaluated: 2026-01-11. Review status: criteria provided, single submitter. Criteria: Invitae Variant Classification Sherloc (09022015). Collection method: clinical testing. Allele origin: germline.
Comment: This sequence change replaces arginine, which is basic and polar, with tryptophan, which is neutral and slightly polar, at codon 345 of the EFEMP1 protein (p.Arg345Trp). This variant is not present in population databases (gnomAD no frequency). This missense change has been observed in individuals with autosomal dominant Doyne or Malattia Leventinese honeycomb retinal dystrophy (PMID: 10369267, 11384588, 25077532, 30541486). It has also been observed to segregate with disease in related individuals. ClinVar contains an entry for this variant (Variation ID: 8072). Invitae Evidence Modeling of protein sequence and biophysical properties (such as structural, functional, and spatial information, amino acid conservation, physicochemical variation, residue mobility, and thermodynamic stability) indicates that this missense variant is not expected to disrupt EFEMP1 protein function with a negative predictive value of 80%. Experimental studies have shown that this missense change affects EFEMP1 function (PMID: 12242346). Algorithms developed to predict the effect of sequence changes on RNA splicing suggest that this variant may disrupt the consensus splice site. For these reasons, this variant has been classified as Pathogenic.

Blueprint Genetics
Classification: Pathogenic for EFEMP1-related disorders. Last evaluated: 2024-08-30. Review status: criteria provided, single submitter. Criteria: ACMG Guidelines, 2015. Collection method: clinical testing. Allele origin: germline. Affected: yes. Observed: 5 variant alleles.

GeneDx
Classification: Pathogenic. Last evaluated: 2023-12-21. Review status: criteria provided, single submitter. Criteria: GeneDx Variant Classification Process June 2021. Collection method: clinical testing. Allele origin: germline. Affected: yes.
Comment: Published functional studies demonstrate a damaging effect with ocular deposits observed in mouse models and abnormal secretion in in vitro studies (PMID: 17666404, 33542268); Not observed at significant frequency in large population cohorts (gnomAD); This variant is associated with the following publications: (PMID: 25111685, 22031286, 22159686, 15785976, 26427406, 18791549, 33019987, 10369267, 33542268, 17666404, 27777122, 25077532, 30541486, 33689237, 11384588)

Institute of Medical Molecular Genetics, University of Zurich
Classification: Likely pathogenic for Doyne honeycomb retinal dystrophy. Last evaluated: 2021-01-30. Review status: criteria provided, single submitter. Criteria: ACMG Guidelines, 2015. Collection method: clinical testing. Allele origin: germline. Affected: yes.

Eurofins Ntd Llc (ga)
Classification: Pathogenic. Last evaluated: 2016-12-08. Review status: criteria provided, single submitter. Criteria: EGL Classification Definitions 2015. Collection method: clinical testing. Allele origin: germline. Observed: 1 variant allele, 1 heterozygote.

Institute of Human Genetics, Univ. Regensburg, Univ. Regensburg
Classification: Pathogenic for Retinal dystrophy. Last evaluated: 2006-01-01. Review status: criteria provided, single submitter. Criteria: ACMG Guidelines, 2015. Collection method: clinical testing. Allele origin: germline. Affected: yes.

Rady Children's Institute for Genomic Medicine, Rady Children's Hospital San Diego
Classification: Pathogenic for DOYNE HONEYCOMB RETINAL DYSTROPHY. Review status: criteria provided, single submitter. Criteria: ACMG Guidelines, 2015. Collection method: clinical testing. Allele origin: germline. Affected: yes.
Comment: This variant has been previously reported as a heterozygous change in patients with Doyne honeycomb degeneration of retina (DHDR) and Malattia leventinese (PMID: 10369267, 25111685, 30541486). Mouse knock-in studies demonstrated that this variant leads to pathophysiological changes to the eye that are similar to the features seen in DHDR (PMID: 17666404). It is absent from the gnomAD population database and thus is presumed to be rare. The c.1033C>T (p.Arg345Trp) variant is predicted by multiple in silico tools to have a deleterious effect on protein function. Based on the available evidence, the c.1033C>T (p.Arg345Trp) variant is classified as Pathogenic.

OMIM
Classification: Pathogenic for DOYNE HONEYCOMB RETINAL DYSTROPHY. Last evaluated: 2011-12-01. Review status: no assertion criteria provided. Collection method: literature only. Allele origin: germline. Not counted in ClinVar's aggregate classification.

Literature cited by the submitters: PubMed 10369267 (cited by 3 submitters); PubMed 11384588 (cited by Labcorp Genetics (formerly Invitae), Labcorp and Institute of Human Genetics, Univ. Regensburg, Univ. Regensburg); PubMed 25077532 (cited by Labcorp Genetics (formerly Invitae), Labcorp and Institute of Human Genetics, Univ. Regensburg, Univ. Regensburg); PubMed 30541486 (cited by 3 submitters); PubMed 12242346 (cited by Labcorp Genetics (formerly Invitae), Labcorp); PubMed 15785976 (cited by Institute of Human Genetics, Univ. Regensburg, Univ. Regensburg); PubMed 17666404 (cited by Institute of Human Genetics, Univ. Regensburg, Univ. Regensburg and OMIM); PubMed 18791549 (cited by Institute of Human Genetics, Univ. Regensburg, Univ. Regensburg); PubMed 22031286 (cited by Institute of Human Genetics, Univ. Regensburg, Univ. Regensburg and OMIM); PubMed 22159686 (cited by Institute of Human Genetics, Univ. Regensburg, Univ. Regensburg); PubMed 25111685 (cited by Institute of Human Genetics, Univ. Regensburg, Univ. Regensburg); PubMed 27777122 (cited by Institute of Human Genetics, Univ. Regensburg, Univ. Regensburg); PubMed 26427406 (cited by Institute of Human Genetics, Univ. Regensburg, Univ. Regensburg); PubMed 33019987 (cited by Institute of Human Genetics, Univ. Regensburg, Univ. Regensburg and OMIM); PubMed 33689237 (cited by Institute of Human Genetics, Univ. Regensburg, Univ. Regensburg and OMIM); PubMed 33542268 (cited by Institute of Human Genetics, Univ. Regensburg, Univ. Regensburg); PubMed 36460718 (cited by Institute of Human Genetics, Univ. Regensburg, Univ. Regensburg); Doyne, R. W. A peculiar condition of choroiditis occurring in several members of the same family. Trans. Ophthal. Soc. U.K. 19: 71, 1899. (cited by OMIM); PubMed 11389162 (cited by OMIM); Collantes, E. R. A., Delfin, M. S., Fan, B., Torregosa, J. M. R., Siguan-Bell, C., Vincent de Guzman Florcruz, N., Martinez, J. M. D., Joy Masna-Hidalgo, B., Guzman, V. P. T., Anotado-Flores, J. F., Levina, F. D., Hernandez, S. R. C., Collantes, A. A., Sibulo, M. C., Rong, S., Wiggs, J. L. EFEMP1 rare variants cause familial juvenile-onset open-angle glaucoma. Hum. Mutat. 43: 1343, 2022. Note: Erratum: Hum. Mutat. 43: 1343 only, 2022. (cited by OMIM); PubMed 33909993 (cited by OMIM).

NM_001039348.3(EFEMP1):c.1033C>T (p.Arg345Trp)

Gene: EFEMP1 (EGF-like fibulin extracellular matrix protein 1; minus strand). Cytogenetic location: 2p16.1.
Variant type: single nucleotide variant.
Coding change: c.1033C>T on transcript NM_001039348.3 (MANE Select); coding-DNA position 1033, C replaced by T.
Protein change: p.Arg345Trp; replaces arginine 345 with tryptophan.
Molecular consequence: missense variant.
Genome position (GRCh38, 1-based): chr2:55,871,091, G>A on the plus strand (C>T on the coding strand, the complement: EFEMP1 is on the minus strand). VCF-style: chr2-55871091-G-A. GRCh37 (hg19) VCF-style: chr2-56098226-G-A.
Other names: c.1033C>T (NM_001039349.2); c.1033C>T, p.Arg345Trp (NM_001039349.3); short protein forms R345W.
Identifiers: ClinVar variation 8072 (VCV000008072.24), dbSNP rs121434491, ClinGen allele CA119276.